The following is an entry in ClinVar:

NM_002471.4(MYH6):c.3979-10C>A

Gene: MYH6 (myosin heavy chain 6; minus strand). Cytogenetic location: 14q11.2.
Variant type: single nucleotide variant.
Coding change: c.3979-10C>A on transcript NM_002471.4 (MANE Select); 10 bases into the intron before coding-DNA position 3979, C replaced by A.
Molecular consequence: intron variant.
Genome position (GRCh38, 1-based): chr14:23,389,065, G>T on the plus strand (C>A on the coding strand, the complement: MYH6 is on the minus strand). VCF-style: chr14-23389065-G-T. GRCh37 (hg19) VCF-style: chr14-23858274-G-T.
Identifiers: ClinVar variation 312856 (VCV000312856.21), dbSNP rs28730768, ClinGen allele CA7114975.

ClinVar aggregate classification (germline): Benign/Likely benign. Review status: criteria provided, multiple submitters, no conflicts (2 of 4 stars). 9 submissions from 9 submitters: Benign (1); Likely benign (5). 3 of the submissions do not count toward it. Last evaluated 2026-01-15.

Conditions:
Hypertrophic cardiomyopathy 14. Identifiers: MedGen C2750467, MONDO:0013197, OMIM 613251.
Cardiomyopathy (CMYO). Also called: Cardiomyopathies. Identifiers: Orphanet 167848, MedGen C0878544, MONDO:0004994, HP:0001638. Inheritance: Various modes of inheritance.

Allele frequency attached by ClinVar (database versions not stated): TOPMed 0.00030.

Submissions (9):

Labcorp Genetics (formerly Invitae), Labcorp
Classification: Likely benign for Hypertrophic cardiomyopathy 14. Last evaluated: 2026-01-15. Review status: criteria provided, single submitter. Criteria: Invitae Variant Classification Sherloc (09022015). Collection method: clinical testing. Allele origin: germline.

Blueprint Genetics
Classification: Likely benign. Last evaluated: 2024-11-27. Review status: criteria provided, single submitter. Criteria: ACMG Guidelines, 2015. Collection method: clinical testing. Allele origin: germline.

Women's Health and Genetics/Laboratory Corporation of America, LabCorp
Classification: Benign. Last evaluated: 2023-11-06. Review status: criteria provided, single submitter. Criteria: LabCorp Variant Classification Summary - May 2015. Collection method: clinical testing. Allele origin: germline.

CHEO Genetics Diagnostic Laboratory, Children's Hospital of Eastern Ontario
Classification: Likely benign for Cardiomyopathy. Last evaluated: 2021-06-02. Review status: criteria provided, single submitter. Criteria: ACMG Guidelines, 2015. Collection method: clinical testing. Allele origin: germline. Study: Canadian Open Genetics Repository.

GeneDx
Classification: Likely benign. Last evaluated: 2017-12-22. Review status: criteria provided, single submitter. Criteria: GeneDx Variant Classification (06012015). Collection method: clinical testing. Allele origin: germline. Affected: yes.
Comment: This variant is considered likely benign or benign based on one or more of the following criteria: it is a conservative change, it occurs at a poorly conserved position in the protein, it is predicted to be benign by multiple in silico algorithms, and/or has population frequency not consistent with disease.

Breakthrough Genomics
Classification: Likely benign. Review status: criteria provided, single submitter. Criteria: ACMG Guidelines, 2015. Collection method: not provided. Allele origin: germline. Inheritance: Autosomal dominant inheritance. Affected: yes.

Clinical Genetics DNA and cytogenetics Diagnostics Lab, Erasmus MC, Erasmus Medical Center
Classification: Likely benign. Review status: no assertion criteria provided. Collection method: clinical testing. Allele origin: germline. Affected: yes. Study: VKGL Data-share Consensus. Not counted in ClinVar's aggregate classification.

Clinical Genetics, Academic Medical Center
Classification: Benign. Review status: no assertion criteria provided. Collection method: clinical testing. Allele origin: germline. Affected: yes. Study: VKGL Data-share Consensus. Not counted in ClinVar's aggregate classification.

Genome Diagnostics Laboratory, University Medical Center Utrecht
Classification: Likely benign. Review status: no assertion criteria provided. Collection method: clinical testing. Allele origin: germline. Affected: yes. Study: VKGL Data-share Consensus. Not counted in ClinVar's aggregate classification.